The following is an entry in ClinVar:

NM_014874.4(MFN2):c.1427G>A (p.Arg476Gln)

Gene: MFN2 (mitofusin 2; plus strand). Cytogenetic location: 1p36.22.
Variant type: single nucleotide variant.
Coding change: c.1427G>A on transcript NM_014874.4 (MANE Select); coding-DNA position 1427, G replaced by A.
Protein change: p.Arg476Gln; replaces arginine 476 with glutamine.
Molecular consequence: missense variant.
Genome position (GRCh38, 1-based): chr1:12,004,859, G>A. VCF-style: chr1-12004859-G-A. GRCh37 (hg19) VCF-style: chr1-12064916-G-A.
Other names: c.1427G>A, p.Arg476Gln (NM_001127660.2); short protein forms R476Q.
Identifiers: ClinVar variation 1897923 (VCV001897923.5), dbSNP rs1331318781, ClinGen allele CA338446690.

ClinVar aggregate classification (germline): Uncertain significance (1 of 4 stars; one submission).

Conditions:
Charcot-Marie-Tooth disease type 2. Also called: Charcot-Marie-Tooth type 2. Identifiers: Orphanet 64746, MedGen C0270914, MONDO:0018993.

Allele frequency attached by ClinVar (database versions not stated): gnomAD exomes 0.00001.
gnomAD v4.1: 14 of 1,613,946 alleles (0.00087%); highest among the groups gnomAD compares: East Asian, 0.0022%; no homozygotes.

Submission:

Labcorp Genetics (formerly Invitae), Labcorp
Classification: Uncertain significance for Charcot-Marie-Tooth disease type 2. Last evaluated: 2022-08-20. Review status: criteria provided, single submitter. Criteria: Invitae Variant Classification Sherloc (09022015). Collection method: clinical testing. Allele origin: germline.
Comment: In summary, the available evidence is currently insufficient to determine the role of this variant in disease. Therefore, it has been classified as a Variant of Uncertain Significance. Algorithms developed to predict the effect of missense changes on protein structure and function (SIFT, PolyPhen-2, Align-GVGD) all suggest that this variant is likely to be tolerated. This variant has not been reported in the literature in individuals affected with MFN2-related conditions. This variant is present in population databases (no rsID available, gnomAD 0.006%). This sequence change replaces arginine, which is basic and polar, with glutamine, which is neutral and polar, at codon 476 of the MFN2 protein (p.Arg476Gln).